The following is an entry in ClinVar:

ClinVar aggregate classification (germline): Conflicting classifications of pathogenicity. Review status: criteria provided, conflicting classifications (1 of 4 stars). 5 submissions from 5 submitters: Uncertain significance (3); Likely benign (2). Last evaluated 2026-04-20.

Conditions:
Cardiovascular phenotype. Identifiers: MedGen CN230736.

Allele frequency attached by ClinVar (database versions not stated): gnomAD 0.00006; gnomAD exomes 0.00011; 1000 Genomes Project 0.00020; ExAC 0.00025; 1000 Genomes Project 30x 0.00047.

Submissions (5):

Women's Health and Genetics/Laboratory Corporation of America, LabCorp
Classification: Uncertain significance. Last evaluated: 2026-04-20. Review status: criteria provided, single submitter. Criteria: LabCorp Variant Classification Summary - May 2015. Collection method: clinical testing. Allele origin: germline.
Comment: Variant summary: ZNF469 c.2345T>C (p.Val782Ala) results in a non-conservative amino acid change in the encoded protein sequence. Algorithms developed to predict the effect of missense changes on protein structure and function are either unavailable or do not agree on the potential impact of this missense change. The variant allele was found at a frequency of 0.00011 in 145152 control chromosomes. This frequency is not significantly higher than estimated for disease-causing variants in ZNF469, allowing no conclusion about variant significance. To our knowledge, no occurrence of c.2345T>C in individuals affected with ZNF469-related conditions and no experimental evidence demonstrating its impact on protein function have been reported. ClinVar contains an entry for this variant (Variation ID: 1208123). Based on the evidence outlined above, the variant was classified as uncertain significance.

Mayo Clinic Laboratories, Mayo Clinic
Classification: Likely benign. Last evaluated: 2025-06-17. Review status: criteria provided, single submitter. Criteria: ACMG Guidelines, 2015. Collection method: clinical testing. Allele origin: germline. Observed: 1 variant allele.
Comment: BS1, BP4_moderate

GeneDx
Classification: Uncertain significance. Last evaluated: 2025-01-27. Review status: criteria provided, single submitter. Criteria: GeneDx Variant Classification Process June 2021. Collection method: clinical testing. Allele origin: germline. Affected: yes.
Comment: In silico analysis indicates that this missense variant does not alter protein structure/function; Has not been previously published as pathogenic or benign to our knowledge

Ambry Genetics
Classification: Likely benign for Cardiovascular phenotype. Last evaluated: 2022-04-09. Review status: criteria provided, single submitter. Criteria: Ambry Variant Classification Scheme 2023. Collection method: clinical testing. Allele origin: germline.

Labcorp Genetics (formerly Invitae), Labcorp
Classification: Uncertain significance. Last evaluated: 2022-04-04. Review status: criteria provided, single submitter. Criteria: Invitae Variant Classification Sherloc (09022015). Collection method: clinical testing. Allele origin: germline.
Comment: This sequence change replaces valine, which is neutral and non-polar, with alanine, which is neutral and non-polar, at codon 782 of the ZNF469 protein (p.Val782Ala). This variant is present in population databases (rs535983876, gnomAD 0.04%). This variant has not been reported in the literature in individuals affected with ZNF469-related conditions. ClinVar contains an entry for this variant (Variation ID: 1208123). Algorithms developed to predict the effect of missense changes on protein structure and function output the following: SIFT: "Tolerated"; PolyPhen-2: "Benign"; Align-GVGD: "Class C0". The alanine amino acid residue is found in multiple mammalian species, which suggests that this missense change does not adversely affect protein function. In summary, the available evidence is currently insufficient to determine the role of this variant in disease. Therefore, it has been classified as a Variant of Uncertain Significance.

NM_001367624.2(ZNF469):c.2345T>C (p.Val782Ala)

Gene: ZNF469 (zinc finger protein 469; plus strand). Cytogenetic location: 16q24.2.
Variant type: single nucleotide variant.
Coding change: c.2345T>C on transcript NM_001367624.2 (MANE Select); coding-DNA position 2345, T replaced by C.
Protein change: p.Val782Ala; replaces valine 782 with alanine.
Molecular consequence: missense variant.
Genome position (GRCh38, 1-based): chr16:88,429,815, T>C. VCF-style: chr16-88429815-T-C. GRCh37 (hg19) VCF-style: chr16-88496223-T-C.
Other names: NM_001127464.1:c.2345T>C; p.Val782Ala; short protein forms V782A.
Identifiers: ClinVar variation 1208123 (VCV001208123.10), dbSNP rs535983876, ClinGen allele CA8224761.